The following is an entry in ClinVar:

NM_153252.5(BRWD3):c.2035G>A (p.Val679Ile)

Gene: BRWD3 (bromodomain and WD repeat domain containing 3; minus strand). Cytogenetic location: Xq21.1.
Variant type: single nucleotide variant.
Coding change: c.2035G>A on transcript NM_153252.5 (MANE Select); coding-DNA position 2035, G replaced by A.
Protein change: p.Val679Ile; replaces valine 679 with isoleucine.
Molecular consequence: missense variant.
Genome position (GRCh38, 1-based): chrX:80,719,498, C>T on the plus strand (G>A on the coding strand, the complement: BRWD3 is on the minus strand). VCF-style: chrX-80719498-C-T. GRCh37 (hg19) VCF-style: chrX-79974997-C-T.
Other names: short protein forms V679I.
Identifiers: ClinVar variation 3900106 (VCV003900106.1).

ClinVar aggregate classification (germline): Uncertain significance (1 of 4 stars; one submission).

Submission:

GeneDx
Classification: Uncertain significance. Last evaluated: 2024-11-22. Review status: criteria provided, single submitter. Criteria: GeneDx Variant Classification Process June 2021. Collection method: clinical testing. Allele origin: germline. Affected: yes.
Comment: Not observed at significant frequency in large population cohorts (gnomAD); In silico analysis indicates that this missense variant does not alter protein structure/function; Has not been previously published as pathogenic or benign to our knowledge